The following is an entry in ClinVar:

ClinVar aggregate classification (germline): Likely benign (1 of 4 stars; one submission).

Allele frequency attached by ClinVar (database versions not stated): 1000 Genomes Project 0.01198; 1000 Genomes Project 30x 0.01218; TOPMed 0.01461; gnomAD 0.01464 and 0.01576.
gnomAD v4.1: 2,390 of 152,294 alleles (1.6%); highest among the groups gnomAD compares: South Asian, 4.8%; 18 homozygotes.

Submission:

GeneDx
Classification: Likely benign. Last evaluated: 2018-06-16. Review status: criteria provided, single submitter. Criteria: GeneDx Variant Classification (06012015). Collection method: clinical testing. Allele origin: germline. Affected: yes.
Comment: This variant is considered likely benign or benign based on one or more of the following criteria: it is a conservative change, it occurs at a poorly conserved position in the protein, it is predicted to be benign by multiple in silico algorithms, and/or has population frequency not consistent with disease.

NM_153240.5(NPHP3):c.3126-276A>G

Genes: NPHP3-ACAD11 (NPHP3-ACAD11 readthrough (NMD candidate); minus strand), NPHP3 (nephrocystin 3; minus strand). Cytogenetic location: 3q22.1.
Variant type: single nucleotide variant.
Coding change: c.3126-276A>G on transcript NM_153240.5 (MANE Select); 276 bases into the intron before coding-DNA position 3126, A replaced by G.
Molecular consequence: intron variant.
Genome position (GRCh38, 1-based): chr3:132,687,502, T>C on the plus strand (A>G on the coding strand, the complement: NPHP3 is on the minus strand). VCF-style: chr3-132687502-T-C. GRCh37 (hg19) VCF-style: chr3-132406346-T-C.
Identifiers: ClinVar variation 673892 (VCV000673892.1), dbSNP rs112490511, ClinGen allele CA83583931.